The following is an entry in ClinVar:

NM_000038.6(APC):c.1121G>C (p.Arg374Pro)

Gene: APC (APC regulator of Wnt signaling pathway; plus strand). Cytogenetic location: 5q22.2.
Variant type: single nucleotide variant.
Coding change: c.1121G>C on transcript NM_000038.6 (MANE Select); coding-DNA position 1121, G replaced by C.
Protein change: p.Arg374Pro; replaces arginine 374 with proline.
Molecular consequence: missense variant. On other transcripts: intron variant (4).
Genome position (GRCh38, 1-based): chr5:112,819,153, G>C. VCF-style: chr5-112819153-G-C. GRCh37 (hg19) VCF-style: chr5-112154850-G-C.
Other names: c.1121G>C, p.Arg374Pro (NM_001127510.3, NM_001354895.2, NM_001354896.2); c.1067G>C, p.Arg356Pro (NM_001127511.3); c.1151G>C, p.Arg384Pro (NM_001354897.2); c.1046G>C, p.Arg349Pro (NM_001354898.2); c.1037G>C, p.Arg346Pro (NM_001354899.2); c.944G>C, p.Arg315Pro (NM_001354900.2, NM_001354901.2); c.272G>C, p.Arg91Pro (NM_001354906.2); c.964-116G>C (NM_001354902.2); and 4 more; short protein forms R356P, R374P, R346P, R349P, R384P, R91P, R315P.
Identifiers: ClinVar variation 1445565 (VCV001445565.9), dbSNP rs141582813, ClinGen allele CA026746.
Genomic context (GRCh38, chr5:112,819,153, plus strand): 5'-CTCTCCTCATCCAGCTTTTACATGGCAATGACAAAGACTCTGTATTGTTGGGAAATTCCC[G>C]GGGCAGTAAAGAGGCTCGGGCCAGGGCCAGTGCAGCACTCCACAACATCATTCACTCACA-3'
Protein context (NP_000029.2, residues 364-384): DKDSVLLGNS[Arg374Pro]GSKEARARAS

ClinVar aggregate classification (germline): Uncertain significance. Review status: criteria provided, multiple submitters, no conflicts (2 of 4 stars). 2 submissions from 2 submitters: Uncertain significance (2). Last evaluated 2026-02-13.

Conditions:
Familial adenomatous polyposis 1 (FAP1). Also called: POLYPOSIS, ADENOMATOUS INTESTINAL; FAMILIAL ADENOMATOUS POLYPOSIS 1, ATTENUATED. Identifiers: MedGen C2713442, MONDO:0021056, OMIM 175100. Disease mechanism: loss of function.
Hereditary cancer-predisposing syndrome. Also called: Neoplastic Syndromes, Hereditary; Tumor predisposition; Hereditary Cancer Syndrome; Hereditary neoplastic syndrome. Identifiers: Orphanet 140162, MedGen C0027672, MeSH D009386, MONDO:0015356.

gnomAD v4.1: 1 of 1,613,976 alleles (0.000062%); highest among the groups gnomAD compares: Non-Finnish European, 0.000085%; no homozygotes.

Submissions (2):

Ambry Genetics
Classification: Uncertain significance for Hereditary cancer-predisposing syndrome. Last evaluated: 2026-02-13. Review status: criteria provided, single submitter. Criteria: Ambry Variant Classification Scheme 2023. Collection method: clinical testing. Allele origin: germline.
Comment: The p.R374P variant (also known as c.1121G>C), located in coding exon 9 of the APC gene, results from a G to C substitution at nucleotide position 1121. The arginine at codon 374 is replaced by proline, an amino acid with dissimilar properties. This amino acid position is highly conserved in available vertebrate species. In addition, in silico predictors for this gene do not accurately predict pathogenicity. Missense variants in APC are not a common cause of disease (Spier I et al. Genet Med. 2024 Feb;26(2):100992). Based on the available evidence, the clinical significance of this variant remains unclear.

Labcorp Genetics (formerly Invitae), Labcorp
Classification: Uncertain significance for Familial adenomatous polyposis 1. Last evaluated: 2021-04-28. Review status: criteria provided, single submitter. Criteria: Invitae Variant Classification Sherloc (09022015). Collection method: clinical testing. Allele origin: germline.
Comment: This sequence change replaces arginine with proline at codon 374 of the APC protein (p.Arg374Pro). The arginine residue is highly conserved and there is a moderate physicochemical difference between arginine and proline. This variant is present in population databases (rs141582813, ExAC 0.002%). This variant has not been reported in the literature in individuals with APC-related conditions. Algorithms developed to predict the effect of missense changes on protein structure and function are either unavailable or do not agree on the potential impact of this missense change (SIFT: "Deleterious"; PolyPhen-2: "Benign"; Align-GVGD: "Class C15"). In summary, the available evidence is currently insufficient to determine the role of this variant in disease. Therefore, it has been classified as a Variant of Uncertain Significance.